The following is an entry in ClinVar:

ClinVar aggregate classification (germline): Benign. Review status: criteria provided, multiple submitters, no conflicts (2 of 4 stars). 4 submissions from 4 submitters: Benign (4). Last evaluated 2026-02-03.

Allele frequency attached by ClinVar (database versions not stated): gnomAD exomes 0.04287 and 0.06341; ExAC 0.07102; gnomAD 0.11938 and 0.12327; TOPMed 0.13229; ESP Exome Variant Server 0.13595; 1000 Genomes Project 0.14199; 1000 Genomes Project 30x 0.14901.
gnomAD v4.1: 59,725 of 1,175,750 alleles (5.1%); highest among the groups gnomAD compares: African/African-American, 33%; 2,980 homozygotes.

Submissions (4):

Labcorp Genetics (formerly Invitae), Labcorp
Classification: Benign. Last evaluated: 2026-02-03. Review status: criteria provided, single submitter. Criteria: Invitae Variant Classification Sherloc (09022015). Collection method: clinical testing. Allele origin: germline.

Mayo Clinic Laboratories, Mayo Clinic
Classification: Benign. Last evaluated: 2022-04-26. Review status: criteria provided, single submitter. Criteria: ACMG Guidelines, 2015. Collection method: clinical testing. Allele origin: germline. Observed: 12 variant alleles.

GeneDx
Classification: Benign. Last evaluated: 2017-09-15. Review status: criteria provided, single submitter. Criteria: GeneDx Variant Classification (06012015). Collection method: clinical testing. Allele origin: germline. Affected: yes.
Comment: This variant is considered likely benign or benign based on one or more of the following criteria: it is a conservative change, it occurs at a poorly conserved position in the protein, it is predicted to be benign by multiple in silico algorithms, and/or has population frequency not consistent with disease.

Breakthrough Genomics
Classification: Benign. Review status: criteria provided, single submitter. Criteria: ACMG Guidelines, 2015. Collection method: not provided. Allele origin: germline. Inheritance: X-linked inheritance. Affected: yes.

NM_005032.7(PLS3):c.1242T>C (p.Pro414=)

Gene: PLS3 (plastin 3; plus strand). Cytogenetic location: Xq23.
Variant type: single nucleotide variant.
Coding change: c.1242T>C on transcript NM_005032.7 (MANE Select); coding-DNA position 1242, T replaced by C.
Protein change: p.Pro414=; no amino-acid change (proline 414 retained).
Molecular consequence: synonymous variant.
Genome position (GRCh38, 1-based): chrX:115,645,079, T>C. VCF-style: chrX-115645079-T-C. GRCh37 (hg19) VCF-style: chrX-114879399-T-C.
Other names: p.Pro414=; c.1242T>C, p.Pro414= (NM_001136025.5); c.1161T>C, p.Pro387= (NM_001172335.3); c.1203T>C, p.Pro401= (NM_001282337.2); c.1107T>C, p.Pro369= (NM_001282338.2).
Identifiers: ClinVar variation 516189 (VCV000516189.11), dbSNP rs2108099, ClinGen allele CA10497028.